The following is an entry in ClinVar:

ClinVar aggregate classification (germline): Uncertain significance (1 of 4 stars; one submission).

Conditions:
Inborn genetic diseases. Identifiers: MedGen C0950123, MeSH D030342.

Submission:

Ambry Genetics
Classification: Uncertain significance for Inborn genetic diseases. Last evaluated: 2026-05-01. Review status: criteria provided, single submitter. Criteria: Ambry Variant Classification Scheme 2023. Collection method: clinical testing. Allele origin: germline.
Comment: The p.S1297G variant (also known as c.3889A>G), located in coding exon 1 of the SAMD9L gene, results from an A to G substitution at nucleotide position 3889. The serine at codon 1297 is replaced by glycine, an amino acid with similar properties. This amino acid position is conserved. In addition, this alteration is predicted to be tolerated by in silico analysis. Based on the available evidence, the clinical significance of this variant remains unclear.

NM_152703.5(SAMD9L):c.3889A>G (p.Ser1297Gly)

Gene: SAMD9L (sterile alpha motif domain containing 9 like; minus strand). Cytogenetic location: 7q21.2.
Variant type: single nucleotide variant.
Coding change: c.3889A>G on transcript NM_152703.5 (MANE Select); coding-DNA position 3889, A replaced by G.
Protein change: p.Ser1297Gly; replaces serine 1297 with glycine.
Molecular consequence: missense variant.
Genome position (GRCh38, 1-based): chr7:93,132,083, T>C on the plus strand (A>G on the coding strand, the complement: SAMD9L is on the minus strand). VCF-style: chr7-93132083-T-C. GRCh37 (hg19) VCF-style: chr7-92761396-T-C.
Other names: c.3889A>G, p.Ser1297Gly (NM_001303496.3, NM_001303497.3, NM_001303498.3 and 5 more transcripts); short protein forms S1297G.
Identifiers: ClinVar variation 4863975 (VCV004863975.1).